The following is an entry in ClinVar:

ClinVar aggregate classification (germline): Uncertain significance (1 of 4 stars; one submission).

Conditions:
Chédiak-Higashi syndrome (CHS). Also called: Chediak-Higashi Syndrome. Identifiers: Orphanet 167, MedGen C0007965, MONDO:0008963, OMIM 214500.

Allele frequency attached by ClinVar (database versions not stated): gnomAD 0.00003; gnomAD exomes 0.00005; TOPMed 0.00005; ExAC 0.00007.
gnomAD v4.1: 78 of 1,611,120 alleles (0.0048%); highest among the groups gnomAD compares: Admixed American, 0.032%; no homozygotes.

Submission:

Labcorp Genetics (formerly Invitae), Labcorp
Classification: Uncertain significance for Chédiak-Higashi syndrome. Last evaluated: 2025-02-03. Review status: criteria provided, single submitter. Criteria: Invitae Variant Classification Sherloc (09022015). Collection method: clinical testing. Allele origin: germline.
Comment: This sequence change replaces proline, which is neutral and non-polar, with leucine, which is neutral and non-polar, at codon 99 of the LYST protein (p.Pro99Leu). This variant is present in population databases (rs781295135, gnomAD 0.03%). This variant has not been reported in the literature in individuals affected with LYST-related conditions. ClinVar contains an entry for this variant (Variation ID: 846914). Invitae Evidence Modeling of protein sequence and biophysical properties (such as structural, functional, and spatial information, amino acid conservation, physicochemical variation, residue mobility, and thermodynamic stability) indicates that this missense variant is not expected to disrupt LYST protein function with a negative predictive value of 80%. In summary, the available evidence is currently insufficient to determine the role of this variant in disease. Therefore, it has been classified as a Variant of Uncertain Significance.

NM_000081.4(LYST):c.296C>T (p.Pro99Leu)

Gene: LYST (lysosomal trafficking regulator; minus strand). Cytogenetic location: 1q42.3.
Variant type: single nucleotide variant.
Coding change: c.296C>T on transcript NM_000081.4 (MANE Select); coding-DNA position 296, C replaced by T.
Protein change: p.Pro99Leu; replaces proline 99 with leucine.
Molecular consequence: missense variant.
Genome position (GRCh38, 1-based): chr1:235,810,522, G>A on the plus strand (C>T on the coding strand, the complement: LYST is on the minus strand). VCF-style: chr1-235810522-G-A. GRCh37 (hg19) VCF-style: chr1-235973822-G-A.
Other names: c.296C>T, p.Pro99Leu (NM_001301365.1); short protein forms P99L.
Identifiers: ClinVar variation 846914 (VCV000846914.5), dbSNP rs781295135, ClinGen allele CA1467653.